The following is an entry in ClinVar:

ClinVar aggregate classification (germline): Likely benign. Review status: criteria provided, multiple submitters, no conflicts (2 of 4 stars). 2 submissions from 2 submitters: Likely benign (2). Last evaluated 2025-10-01.

gnomAD v4.1: 119 of 1,613,410 alleles (0.0074%); highest among the groups gnomAD compares: South Asian, 0.096%; 1 homozygote.

Submissions (2):

CeGaT Center for Human Genetics Tuebingen
Classification: Likely benign. Last evaluated: 2025-10-01. Review status: criteria provided, single submitter. Criteria: CeGaT Center For Human Genetics Tuebingen Variant Classification Criteria Version 2. Collection method: clinical testing. Allele origin: germline. Affected: yes. Observed: 1 variant allele.
Comment: SRRM2: BP4, BP7

Blueprint Genetics
Classification: Likely benign. Last evaluated: 2024-10-10. Review status: criteria provided, single submitter. Criteria: ACMG Guidelines, 2015. Collection method: clinical testing. Allele origin: germline.

NM_016333.4(SRRM2):c.2736A>G (p.Ser912=)

Gene: SRRM2 (serine/arginine repetitive matrix 2; plus strand). Cytogenetic location: 16p13.3.
Variant type: single nucleotide variant.
Coding change: c.2736A>G on transcript NM_016333.4 (MANE Select); coding-DNA position 2736, A replaced by G.
Protein change: p.Ser912=; no amino-acid change (serine 912 retained).
Molecular consequence: synonymous variant.
Genome position (GRCh38, 1-based): chr16:2,763,264, A>G. VCF-style: chr16-2763264-A-G. GRCh37 (hg19) VCF-style: chr16-2813265-A-G.
Identifiers: ClinVar variation 4534178 (VCV004534178.7).
Genomic context (GRCh38, chr16:2,763,264, plus strand): 5'-AGGGTCCTCTCCTCCTAGAGTGAAATCTAGCACACCTCCCAGACAGAGCCCATCTAGGTC[A>G]TCATCTCCACAACCCAAAGTGAAGGCAATAATATCACCAAGACAAAGAAGCCATTCTGGC-3'
Protein context (NP_057417.3, residues 902-922): STPPRQSPSR[Ser912=]SSPQPKVKAI